The following is an entry in ClinVar:

NM_032977.4(CASP10):c.*77T>G

Gene: CASP10 (caspase 10; plus strand). Cytogenetic location: 2q33.1.
Variant type: single nucleotide variant.
Coding change: c.*77T>G on transcript NM_032977.4 (MANE Select); 77 bases downstream of the stop codon, T replaced by G.
Molecular consequence: 3 prime UTR variant. On other transcripts: intron variant (2).
Genome position (GRCh38, 1-based): chr2:201,217,818, T>G. VCF-style: chr2-201217818-T-G. GRCh37 (hg19) VCF-style: chr2-202082541-T-G.
Other names: c.*77T>G (NM_001206524.2, NM_001230.5); c.*732T>G (NM_032976.4); c.1415+8256T>G (NM_032974.5); c.1286+8256T>G (NM_001206542.2).
Identifiers: ClinVar variation 333443 (VCV000333443.5), dbSNP rs191438878, ClinGen allele CA10613462.
Genomic context (GRCh38, chr2:201,217,818, plus strand): 5'-GTTCTTAGACCTCAAACGAATCATTGGCTATAACCTCCAGCCTCCTGCCCAGCACAGGAA[T>G]CGGTGGTCTCCACCTGTCATTCTAGAAACAGGAAACACCGTGTTTTCTGACACAGTCAAT-3'

ClinVar aggregate classification (germline): Benign (1 of 4 stars; one submission).

Conditions:
Autoimmune lymphoproliferative syndrome type 2A (ALPS2A). Also called: CASP10-Related Autoimmune Lymphoproliferative Syndrome; AUTOIMMUNE LYMPHOPROLIFERATIVE SYNDROME, TYPE IIA; Autoimmune lymphoproliferative syndrome type 2. Identifiers: Orphanet 3261, MedGen C1858968, MONDO:0011383, OMIM 603909.

Allele frequency attached by ClinVar (database versions not stated): 1000 Genomes Project 30x 0.00062; 1000 Genomes Project 0.00080; TOPMed 0.00093; gnomAD 0.00455.
gnomAD v4.1: 2,283 of 1,612,632 alleles (0.14%); highest among the groups gnomAD compares: South Asian, 0.38%; 16 homozygotes.

Submission:

Illumina Laboratory Services, Illumina
Classification: Benign for Autoimmune lymphoproliferative syndrome type 2A. Last evaluated: 2018-01-12. Review status: criteria provided, single submitter. Criteria: ICSL Variant Classification Criteria 13 December 2019. Collection method: clinical testing. Allele origin: germline.
Comment: This variant was observed in the ICSL laboratory as part of a predisposition screen in an ostensibly healthy population. It had not been previously curated by ICSL or reported in the Human Gene Mutation Database (HGMD: prior to June 1st, 2018), and was therefore a candidate for classification through an automated scoring system. Utilizing variant allele frequency, disease prevalence and penetrance estimates, and inheritance mode, an automated score was calculated to assess if this variant is too frequent to cause the disease. Based on the score and internal cut-off values, a variant classified as benign is not then subjected to further curation. The score for this variant resulted in a classification of benign for this disease.